The following is an entry in ClinVar:

NM_005591.4(MRE11):c.1418T>C (p.Leu473Ser)

Gene: MRE11 (MRE11 double strand break repair nuclease; minus strand). Cytogenetic location: 11q21.
Variant type: single nucleotide variant.
Coding change: c.1418T>C on transcript NM_005591.4 (MANE Select); coding-DNA position 1418, T replaced by C.
Protein change: p.Leu473Ser; replaces leucine 473 with serine.
Molecular consequence: missense variant.
Genome position (GRCh38, 1-based): chr11:94,459,490, A>G on the plus strand (T>C on the coding strand, the complement: MRE11 is on the minus strand). VCF-style: chr11-94459490-A-G. GRCh37 (hg19) VCF-style: chr11-94192656-A-G.
Other names: c.1418T>C, p.Leu473Ser (NM_001330347.2, NM_005590.4); short protein forms L473S.
Identifiers: ClinVar variation 216608 (VCV000216608.17), dbSNP rs771843497, ClinGen allele CA338342.

ClinVar aggregate classification (germline): Uncertain significance. Review status: criteria provided, multiple submitters, no conflicts (2 of 4 stars). 4 submissions from 4 submitters: Uncertain significance (4). Last evaluated 2025-05-05.

Conditions:
Ataxia-telangiectasia-like disorder (ATLD). Identifiers: MedGen C1858391, MONDO:0011457.
Hereditary cancer-predisposing syndrome. Also called: Hereditary Cancer Syndrome; Hereditary neoplastic syndrome; Neoplastic Syndromes, Hereditary; Tumor predisposition. Identifiers: Orphanet 140162, MedGen C0027672, MeSH D009386, MONDO:0015356.
Ataxia-telangiectasia-like disorder 1 (ATLD1). Identifiers: Orphanet 251347, MedGen C4012790, MONDO:0024557, OMIM 604391.

Allele frequency attached by ClinVar (database versions not stated): gnomAD 0.00001; gnomAD exomes 0.00001 and 0.00002; ExAC 0.00002; TOPMed 0.00004.
gnomAD v4.1: 22 of 1,613,954 alleles (0.0014%); highest among the groups gnomAD compares: East Asian, 0.033%; no homozygotes.

Submissions (4):

Labcorp Genetics (formerly Invitae), Labcorp
Classification: Uncertain significance for Ataxia-telangiectasia-like disorder. Last evaluated: 2025-05-05. Review status: criteria provided, single submitter. Criteria: Invitae Variant Classification Sherloc (09022015). Collection method: clinical testing. Allele origin: germline.
Comment: This sequence change replaces leucine, which is neutral and non-polar, with serine, which is neutral and polar, at codon 473 of the MRE11 protein (p.Leu473Ser). This variant is present in population databases (rs771843497, gnomAD 0.03%). This missense change has been observed in individual(s) with a personal or family history of breast cancer (PMID: 27783279). ClinVar contains an entry for this variant (Variation ID: 216608). An algorithm developed to predict the effect of missense changes on protein structure and function (PolyPhen-2) suggests that this variant is likely to be disruptive. In summary, the available evidence is currently insufficient to determine the role of this variant in disease. Therefore, it has been classified as a Variant of Uncertain Significance.

Ambry Genetics
Classification: Uncertain significance for Hereditary cancer-predisposing syndrome. Last evaluated: 2024-07-22. Review status: criteria provided, single submitter. Criteria: Ambry Variant Classification Scheme 2023. Collection method: clinical testing. Allele origin: germline.
Comment: The p.L473S variant (also known as c.1418T>C), located in coding exon 12 of the MRE11A gene, results from a T to C substitution at nucleotide position 1418. The leucine at codon 473 is replaced by serine, an amino acid with dissimilar properties. In one study of 235 Korean patients with hereditary breast cancer, who had previously had negative BRCA1/2 genetic testing, this variant was observed in 1/470 alleles (Kim H et al. Breast Cancer Res. Treat. 2017 Jan;161:95-102). This amino acid position is highly conserved in available vertebrate species. In addition, this alteration is predicted to be deleterious by in silico analysis. Since supporting evidence is limited at this time, the clinical significance of this alteration remains unclear.

Fulgent Genetics
Classification: Uncertain significance for Ataxia-telangiectasia-like disorder 1. Last evaluated: 2024-04-12. Review status: criteria provided, single submitter. Criteria: ACMG Guidelines, 2015. Collection method: clinical testing. Allele origin: germline.

Baylor Genetics
Classification: Uncertain significance for Ataxia-telangiectasia-like disorder 1. Last evaluated: 2023-12-11. Review status: criteria provided, single submitter. Criteria: ACMG Guidelines, 2015. Collection method: clinical testing. Allele origin: unknown.

Literature cited by the submitters: PubMed 27783279 (cited by Labcorp Genetics (formerly Invitae), Labcorp and Ambry Genetics).